The following is an entry in ClinVar:

NM_002460.4(IRF4):c.385C>T (p.Pro129Ser)

Gene: IRF4 (interferon regulatory factor 4; plus strand). Cytogenetic location: 6p25.3.
Variant type: single nucleotide variant.
Coding change: c.385C>T on transcript NM_002460.4 (MANE Select); coding-DNA position 385, C replaced by T.
Protein change: p.Pro129Ser; replaces proline 129 with serine.
Molecular consequence: missense variant. On other transcripts: non-coding transcript variant (1).
Genome position (GRCh38, 1-based): chr6:394,989, C>T. VCF-style: chr6-394989-C-T. GRCh37 (hg19) VCF-style: chr6-394989-C-T.
Other names: c.385C>T, p.Pro129Ser (NM_001195286.2); short protein forms P129S.
Identifiers: ClinVar variation 3661885 (VCV003661885.2).

ClinVar aggregate classification (germline): Uncertain significance (1 of 4 stars; one submission).

Submission:

Labcorp Genetics (formerly Invitae), Labcorp
Classification: Uncertain significance. Last evaluated: 2024-08-10. Review status: criteria provided, single submitter. Criteria: Invitae Variant Classification Sherloc (09022015). Collection method: clinical testing. Allele origin: germline.
Comment: This sequence change replaces proline, which is neutral and non-polar, with serine, which is neutral and polar, at codon 129 of the IRF4 protein (p.Pro129Ser). This variant is not present in population databases (gnomAD no frequency). This variant has not been reported in the literature in individuals affected with IRF4-related conditions. An algorithm developed to predict the effect of missense changes on protein structure and function (PolyPhen-2) suggests that this variant is likely to be disruptive. In summary, the available evidence is currently insufficient to determine the role of this variant in disease. Therefore, it has been classified as a Variant of Uncertain Significance.